The following is an entry in ClinVar:

ClinVar aggregate classification (germline): Uncertain significance (1 of 4 stars; one submission).

Allele frequency attached by ClinVar (database versions not stated): gnomAD exomes below 0.00001; TOPMed below 0.00001.
gnomAD v4.1: 5 of 1,551,832 alleles (0.00032%); highest among the groups gnomAD compares: Non-Finnish European, 0.00044%; no homozygotes.

Submission:

Labcorp Genetics (formerly Invitae), Labcorp
Classification: Uncertain significance. Last evaluated: 2022-03-04. Review status: criteria provided, single submitter. Criteria: Invitae Variant Classification Sherloc (09022015). Collection method: clinical testing. Allele origin: germline.
Comment: In summary, the available evidence is currently insufficient to determine the role of this variant in disease. Therefore, it has been classified as a Variant of Uncertain Significance. Algorithms developed to predict the effect of missense changes on protein structure and function are either unavailable or do not agree on the potential impact of this missense change (SIFT: "Not Available"; PolyPhen-2: "Probably Damaging"; Align-GVGD: "Not Available"). This variant has not been reported in the literature in individuals affected with UNC80-related conditions. This variant is not present in population databases (gnomAD no frequency). This sequence change replaces tyrosine, which is neutral and polar, with cysteine, which is neutral and slightly polar, at codon 1503 of the UNC80 protein (p.Tyr1503Cys).

NM_001371986.1(UNC80):c.4706A>G (p.Tyr1569Cys)

Gene: UNC80 (unc-80 homolog, NALCN channel complex subunit; plus strand). Cytogenetic location: 2q34.
Variant type: single nucleotide variant.
Coding change: c.4706A>G on transcript NM_001371986.1 (MANE Select); coding-DNA position 4706, A replaced by G.
Protein change: p.Tyr1569Cys; replaces tyrosine 1569 with cysteine.
Molecular consequence: missense variant.
Genome position (GRCh38, 1-based): chr2:209,904,889, A>G. VCF-style: chr2-209904889-A-G. GRCh37 (hg19) VCF-style: chr2-210769613-A-G.
Other names: c.4508A>G, p.Tyr1503Cys (NM_032504.2); c.4493A>G, p.Tyr1498Cys (NM_182587.4); short protein forms Y1498C, Y1503C, Y1569C.
Identifiers: ClinVar variation 2105611 (VCV002105611.3), dbSNP rs1258499887, ClinGen allele CA350755439.
Genomic context (GRCh38, chr2:209,904,889, plus strand): 5'-ACTGCTACCTGCACCACAGCCGCTCCTGTGCCCGACTGGTCAGAGCCATCAAGCTACTCT[A>G]TGGAGACAGTGTGGACTCCCTGAGGGAAAGCAGCAACATCAGCAGTGTGGCTCTCCGGGG-3'
Protein context (NP_001358915.1, residues 1559-1579): ARLVRAIKLL[Tyr1569Cys]GDSVDSLRES